The following is an entry in ClinVar:

ClinVar aggregate classification (germline): Uncertain significance. Review status: criteria provided, multiple submitters, no conflicts (2 of 4 stars). 3 submissions from 3 submitters: Uncertain significance (3). Last evaluated 2021-06-18.

Conditions:
Inborn genetic diseases. Identifiers: MedGen C0950123, MeSH D030342.
Microcephaly 4, primary, autosomal recessive. Identifiers: Orphanet 2512, MedGen C1858516, MONDO:0011437, OMIM 604321.

Allele frequency attached by ClinVar (database versions not stated): 1000 Genomes Project 30x 0.00016; 1000 Genomes Project 0.00020; gnomAD 0.00021 and 0.00023; TOPMed 0.00021; ExAC 0.00024; gnomAD exomes 0.00026 and 0.00029.

Submissions (3):

Ambry Genetics
Classification: Uncertain significance for Inborn genetic diseases. Last evaluated: 2021-06-18. Review status: criteria provided, single submitter. Criteria: Ambry Variant Classification Scheme 2023. Collection method: clinical testing. Allele origin: germline.

Labcorp Genetics (formerly Invitae), Labcorp
Classification: Uncertain significance. Last evaluated: 2021-03-31. Review status: criteria provided, single submitter. Criteria: Invitae Variant Classification Sherloc (09022015). Collection method: clinical testing. Allele origin: germline.
Comment: Algorithms developed to predict the effect of missense changes on protein structure and function are either unavailable or do not agree on the potential impact of this missense change (SIFT: "Deleterious"; PolyPhen-2: "Probably Damaging"; Align-GVGD: "Class C0"). In summary, the available evidence is currently insufficient to determine the role of this variant in disease. Therefore, it has been classified as a Variant of Uncertain Significance. This sequence change replaces asparagine with histidine at codon 491 of the KNL1 protein (p.Asn491His). The asparagine residue is highly conserved and there is a small physicochemical difference between asparagine and histidine. This variant is present in population databases (rs541346845, ExAC 0.04%). This variant has not been reported in the literature in individuals with KNL1-related conditions.

Baylor Genetics
Classification: Uncertain significance for Microcephaly 4, primary, autosomal recessive. Last evaluated: 2019-02-23. Review status: criteria provided, single submitter. Criteria: ACMG Guidelines, 2015. Collection method: clinical testing. Allele origin: maternal. Affected: yes.
Comment: This variant was determined to be of uncertain significance according to ACMG Guidelines, 2015 [PMID:25741868].

NM_144508.5(KNL1):c.1393A>C (p.Asn465His)

Gene: KNL1 (kinetochore scaffold 1; plus strand). Cytogenetic location: 15q15.1.
Variant type: single nucleotide variant.
Coding change: c.1393A>C on transcript NM_144508.5 (MANE Select); coding-DNA position 1393, A replaced by C.
Protein change: p.Asn465His; replaces asparagine 465 with histidine.
Molecular consequence: missense variant.
Genome position (GRCh38, 1-based): chr15:40,621,657, A>C. VCF-style: chr15-40621657-A-C. GRCh37 (hg19) VCF-style: chr15-40913855-A-C.
Other names: c.1471A>C, p.Asn491His (NM_170589.5); short protein forms N465H, N491H.
Identifiers: ClinVar variation 1027834 (VCV001027834.8), dbSNP rs541346845, ClinGen allele CA7482659.